The following is an entry in ClinVar:

ClinVar aggregate classification (germline): Conflicting classifications of pathogenicity. Review status: criteria provided, conflicting classifications (1 of 4 stars). 13 submissions from 13 submitters: Uncertain significance (12); Likely benign (1). Last evaluated 2026-09-01.

Conditions:
Premature ovarian failure 15. Identifiers: MedGen C4748170, MONDO:0054862, OMIM 618096.
Spermatogenic failure 28. Identifiers: MedGen C4748117, MONDO:0054732, OMIM 618086.
Fanconi anemia (FA). Also called: Fanconi's anemia. Identifiers: Orphanet 84, MedGen C0015625, MeSH D005199, MONDO:0019391.
Fanconi anemia complementation group A (FANCA). Also called: FANCA-Related Fanconi Anemia; Fanconi anemia, group A. Identifiers: Orphanet 84, MedGen C3469521, MONDO:0009215, OMIM 227650.

Allele frequency attached by ClinVar (database versions not stated): TOPMed 0.00009; gnomAD 0.00011; ExAC 0.00014; ESP Exome Variant Server 0.00015; gnomAD exomes 0.00015; 1000 Genomes Project 30x 0.00016; 1000 Genomes Project 0.00020.
gnomAD v4.1: 127 of 1,614,024 alleles (0.0079%); highest among the groups gnomAD compares: Middle Eastern, 0.049%; no homozygotes.

Submissions (13):

CeGaT Center for Human Genetics Tuebingen
Classification: Uncertain significance. Last evaluated: 2026-09-01. Review status: criteria provided, single submitter. Criteria: CeGaT Center For Human Genetics Tuebingen Variant Classification Criteria Version 2. Collection method: clinical testing. Allele origin: germline. Affected: yes. Observed: 1 variant allele.

Dasa
Classification: Uncertain significance. Last evaluated: 2025-09-07. Review status: criteria provided, single submitter. Criteria: DASA Assertion Criteria. Collection method: clinical testing. Allele origin: germline.
Comment: NM_020937.4(FANCM):c.53G>A (p.Arg18Gln) is a missense variant that results in the substitution of arginine with glutamine. Published studies describe this variant in association with related phenotype (PMID: 31991861). Also, this variant is rare in population databases. Computational prediction algorithms are consistent with a benign effect. The currently available literature and clinical evidence are not sufficient to establish a definitive association between this variant and the reported condition. Therefore, this variant is classified as a variant of uncertain significance.

Labcorp Genetics (formerly Invitae), Labcorp
Classification: Uncertain significance for Fanconi anemia. Last evaluated: 2024-09-16. Review status: criteria provided, single submitter. Criteria: Invitae Variant Classification Sherloc (09022015). Collection method: clinical testing. Allele origin: germline.
Comment: This sequence change replaces arginine, which is basic and polar, with glutamine, which is neutral and polar, at codon 18 of the FANCM protein (p.Arg18Gln). This variant is present in population databases (rs146609069, gnomAD 0.05%). This variant has not been reported in the literature in individuals affected with FANCM-related conditions. ClinVar contains an entry for this variant (Variation ID: 456276). An algorithm developed to predict the effect of missense changes on protein structure and function (PolyPhen-2) suggests that this variant¬†is likely to be tolerated. In summary, the available evidence is currently insufficient to determine the role of this variant in disease. Therefore, it has been classified as a Variant of Uncertain Significance.

GeneDx
Classification: Uncertain significance. Last evaluated: 2024-09-11. Review status: criteria provided, single submitter. Criteria: GeneDx Variant Classification Process June 2021. Collection method: clinical testing. Allele origin: germline. Affected: yes.
Comment: In silico analysis indicates that this missense variant does not alter protein structure/function; This variant is associated with the following publications: (PMID: 28881617, 33471991)

Blueprint Genetics
Classification: Uncertain significance. Last evaluated: 2024-06-05. Review status: criteria provided, single submitter. Criteria: ACMG Guidelines, 2015. Collection method: clinical testing. Allele origin: germline.

Mendelics
Classification: Likely benign for Fanconi anemia complementation group A. Last evaluated: 2024-04-09. Review status: criteria provided, single submitter. Criteria: ACMG Guidelines, 2015. Collection method: clinical testing. Allele origin: unknown.

Quest Diagnostics Nichols Institute San Juan Capistrano
Classification: Uncertain significance. Last evaluated: 2023-03-02. Review status: criteria provided, single submitter. Criteria: Quest Diagnostics criteria. Collection method: clinical testing. Allele origin: unknown.
Comment: The frequency of this variant in the general population, 0.00056 (17/30614 chromosomes), is uninformative in assessment of its pathogenicity. In the published literature, the variant has been reported in affected individuals with breast cancer as well as in a control individuals in a large scale breast cancer association study (PMID: 33471991 (2021), see also LOVD). Analysis of this variant using bioinformatics tools for the prediction of the effect of amino acid changes on protein structure and function yielded predictions that this variant is benign. Based on the available information, we are unable to determine the clinical significance of this variant.

Fulgent Genetics
Classification: Uncertain significance for Spermatogenic failure 28; Premature ovarian failure 15. Last evaluated: 2022-04-14. Review status: criteria provided, single submitter. Criteria: ACMG Guidelines, 2015. Collection method: clinical testing. Allele origin: unknown.

AiLife Diagnostics
Classification: Uncertain significance. Last evaluated: 2022-01-31. Review status: criteria provided, single submitter. Criteria: ACMG Guidelines, 2015. Collection method: clinical testing. Allele origin: germline. Affected: yes. Observed: 1 variant allele.

Institute for Clinical Genetics, University Hospital TU Dresden, University Hospital TU Dresden
Classification: Uncertain significance. Last evaluated: 2021-11-03. Review status: criteria provided, single submitter. Criteria: ACMG Guidelines, 2015. Collection method: clinical testing. Allele origin: germline.

Genetic Services Laboratory, University of Chicago
Classification: Uncertain significance. Last evaluated: 2021-01-07. Review status: criteria provided, single submitter. Criteria: ACMG Guidelines, 2015. Collection method: clinical testing. Allele origin: germline. Affected: no.
Comment: DNA sequence analysis of the FANCM gene demonstrated a sequence change, c.53G>A, in exon 1 that results in an amino acid change, p.Arg18Gln. This sequence change does not appear to have been previously described in individuals with FANCM-related disorders and has been described in the gnomAD database with a frequency of 0.056% in the South Asian sub-population (dbSNP rs146609069). The p.Arg18Gln change affects a poorly conserved amino acid residue located in a domain of the FANCM protein that is not known to be functional. In-silico pathogenicity prediction tools (SIFT, PolyPhen2, Align GVGD, REVEL) provide contradictory results for the p.Arg18Gln substitution. Due to these contrasting evidences and the lack of functional studies, the clinical significance of the p.Arg18Gln change remains unknown at this time.

Breakthrough Genomics
Classification: Uncertain significance. Review status: criteria provided, single submitter. Criteria: ACMG Guidelines, 2015. Collection method: not provided. Allele origin: germline. Inheritance: Autosomal recessive inheritance. Affected: yes.

Neuberg Centre For Genomic Medicine, NCGM
Classification: Uncertain significance for Premature ovarian failure 15. Review status: criteria provided, single submitter. Criteria: ACMG Guidelines, 2015. Collection method: clinical testing. Allele origin: germline. Inheritance: Autosomal recessive inheritance. Affected: yes.
Comment: The amino acid Arg at position 18 is changed to a Gln changing protein sequence and it might alter its composition and physico-chemical properties. The missense variant FANCM c.53G>A (p.Arg18Gln) has been submitted to ClinVar as a Variant of Uncertain Significance. The variant has not been reported in affected individuals. The p.Arg18Gln variant is observed with allele frequency (0.01351%) in gnomAD Exomes and is also reported in 1000 Genomes. The p.Arg18Gln missense variant is predicted to be tolerated by in silico tools. The amino acid change p.Arg18Gln in FANCM is predicted as conserved by GERP++ and PhyloP across 100 vertebrates. For these reasons, this variant has been classified as Uncertain Significance.

Literature cited by the submitters: PubMed 31991861 (cited by Dasa); PubMed 33471991 (cited by Quest Diagnostics Nichols Institute San Juan Capistrano).

NM_020937.4(FANCM):c.53G>A (p.Arg18Gln)

Genes: FANCM (FA complementation group M; plus strand), LOC130055524 (ATAC-STARR-seq lymphoblastoid active region 8299; plus strand). Cytogenetic location: 14q21.2.
Variant type: single nucleotide variant.
Coding change: c.53G>A on transcript NM_020937.4 (MANE Select); coding-DNA position 53, G replaced by A.
Protein change: p.Arg18Gln; replaces arginine 18 with glutamine.
Molecular consequence: missense variant.
Genome position (GRCh38, 1-based): chr14:45,136,084, G>A. VCF-style: chr14-45136084-G-A. GRCh37 (hg19) VCF-style: chr14-45605287-G-A.
Other names: c.53G>A, p.Arg18Gln (NM_001308133.2, NM_001308134.2); short protein forms R18Q.
Identifiers: ClinVar variation 456276 (VCV000456276.27), dbSNP rs146609069, ClinGen allele CA7168688.
Genomic context (GRCh38, chr14:45,136,084, plus strand): 5'-TCGGCCTAATGAGCGGACGGCAAAGAACGCTTTTTCAGACGTGGGGCTCAAGTATCTCCC[G>A]ATCATCTGGGACTCCGGGTTGCAGCTCCGGAACTGAGCGACCTCAGAGCCCTGGCAGCTC-3'
Protein context (NP_065988.1, residues 8-28): LFQTWGSSIS[Arg18Gln]SSGTPGCSSG